The following is an entry in ClinVar:

ClinVar aggregate classification (germline): Uncertain significance (1 of 4 stars; one submission).

Allele frequency attached by ClinVar (database versions not stated): ExAC 0.00001; ESP Exome Variant Server 0.00008.

Submission:

CeGaT Center for Human Genetics Tuebingen
Classification: Uncertain significance. Last evaluated: 2022-03-01. Review status: criteria provided, single submitter. Criteria: CeGaT Center For Human Genetics Tuebingen Variant Classification Criteria Version 2. Collection method: clinical testing. Allele origin: germline. Affected: yes. Observed: 1 variant allele.
Comment: RP1L1: PM2, BP4

NM_178857.6(RP1L1):c.6286C>T (p.Pro2096Ser)

Gene: RP1L1 (RP1 like 1). Cytogenetic location: 8p23.1.
Variant type: single nucleotide variant.
Coding change: c.6286C>T on transcript NM_178857.6 (MANE Select); coding-DNA position 6286, C replaced by T.
Protein change: p.Pro2096Ser; replaces proline 2096 with serine.
Molecular consequence: missense variant.
Genome position (GRCh38, 1-based): chr8:10,607,812, G>A on the plus strand (C>T on the coding strand, the complement: RP1L1 is on the minus strand). VCF-style: chr8-10607812-G-A. GRCh37 (hg19) VCF-style: chr8-10465322-G-A.
Other names: short protein forms P2096S.
Identifiers: ClinVar variation 1676096 (VCV001676096.33), dbSNP rs374414796, ClinGen allele CA4623382.